The following is an entry in ClinVar:

NM_002739.5(PRKCG):c.585T>C (p.Tyr195=)

Gene: PRKCG (protein kinase C gamma; plus strand). Cytogenetic location: 19q13.42.
Variant type: single nucleotide variant.
Coding change: c.585T>C on transcript NM_002739.5 (MANE Select); coding-DNA position 585, T replaced by C.
Protein change: p.Tyr195=; no amino-acid change (tyrosine 195 retained).
Molecular consequence: synonymous variant.
Genome position (GRCh38, 1-based): chr19:53,891,729, T>C. VCF-style: chr19-53891729-T-C. GRCh37 (hg19) VCF-style: chr19-54394983-T-C.
Other names: c.585T>C, p.Tyr195= (NM_001316329.2).
Identifiers: ClinVar variation 3067485 (VCV003067485.21), dbSNP rs761158551, ClinGen allele CA9640340.

ClinVar aggregate classification (germline): Likely benign (1 of 4 stars; one submission).

Allele frequency attached by ClinVar (database versions not stated): ExAC 0.00005; gnomAD 0.00006; TOPMed 0.00006; gnomAD exomes 0.00007.
gnomAD v4.1: 115 of 1,613,968 alleles (0.0071%); highest among the groups gnomAD compares: Non-Finnish European, 0.0092%; no homozygotes.

Submission:

CeGaT Center for Human Genetics Tuebingen
Classification: Likely benign. Last evaluated: 2024-03-01. Review status: criteria provided, single submitter. Criteria: CeGaT Center For Human Genetics Tuebingen Variant Classification Criteria Version 2. Collection method: clinical testing. Allele origin: germline. Affected: yes. Observed: 1 variant allele.
Comment: PRKCG: BP4, BP7